The following is an entry in ClinVar:

ClinVar aggregate classification (germline): Likely benign. Review status: criteria provided, multiple submitters, no conflicts (2 of 4 stars). 2 submissions from 2 submitters: Likely benign (2). Last evaluated 2025-03-26.

Conditions:
Peutz-Jeghers syndrome (PJS). Also called: POLYPOSIS, HAMARTOMATOUS INTESTINAL; POLYPS-AND-SPOTS SYNDROME; Peutz-Jeghers polyposis; Periorificial lentiginosis syndrome. Identifiers: Orphanet 2869, MedGen C0031269, MeSH D010580, MONDO:0008280, OMIM 175200.

Submissions (2):

Myriad Genetics, Inc.
Classification: Likely benign for Peutz-Jeghers syndrome. Last evaluated: 2025-03-26. Review status: criteria provided, single submitter. Criteria: Myriad Autosomal Dominant, Autosomal Recessive and X-Linked Classification Criteria (2023). Collection method: clinical testing. Allele origin: unknown.
Comment: This variant is considered likely benign. This variant is intronic and is not expected to impact mRNA splicing.

Labcorp Genetics (formerly Invitae), Labcorp
Classification: Likely benign for Peutz-Jeghers syndrome. Last evaluated: 2024-04-18. Review status: criteria provided, single submitter. Criteria: Invitae Variant Classification Sherloc (09022015). Collection method: clinical testing. Allele origin: germline.

NM_000455.5(STK11):c.465-16T>C

Gene: STK11 (serine/threonine kinase 11; plus strand). Cytogenetic location: 19p13.3.
Variant type: single nucleotide variant.
Coding change: c.465-16T>C on transcript NM_000455.5 (MANE Select); 16 bases into the intron before coding-DNA position 465, T replaced by C.
Molecular consequence: intron variant.
Genome position (GRCh38, 1-based): chr19:1,220,357, T>C. VCF-style: chr19-1220357-T-C. GRCh37 (hg19) VCF-style: chr19-1220356-T-C.
Other names: c.465-16T>C (NM_001407255.1).
Identifiers: ClinVar variation 2889490 (VCV002889490.4), dbSNP rs2145424048, ClinGen allele CA2735573400.
Genomic context (GRCh38, chr19:1,220,357, plus strand): 5'-CCCAGGCAGCTGCAAAGGGGACCCCTGTGAGGGGCAGGGAGGCCTCGGCCCCAGGACGGG[T>C]GTGTGCTGCCCGCAGGTACTTCTGTCAGCTGATTGACGGCCTGGAGTACCTGCATAGCCA-3'